The following is an entry in ClinVar:

NM_015559.3(SETBP1):c.885C>A (p.Ser295Arg)

Gene: SETBP1 (SET binding protein 1; plus strand). Cytogenetic location: 18q12.3.
Variant type: single nucleotide variant.
Coding change: c.885C>A on transcript NM_015559.3 (MANE Select); coding-DNA position 885, C replaced by A.
Protein change: p.Ser295Arg; replaces serine 295 with arginine.
Molecular consequence: missense variant.
Genome position (GRCh38, 1-based): chr18:44,950,225, C>A. VCF-style: chr18-44950225-C-A. GRCh37 (hg19) VCF-style: chr18-42530190-C-A.
Other names: c.885C>A, p.Ser295Arg (NM_001379141.1, NM_001379142.1, NM_001410862.1); short protein forms S295R.
Identifiers: ClinVar variation 3652330 (VCV003652330.2).

ClinVar aggregate classification (germline): Uncertain significance (1 of 4 stars; one submission).

Submission:

Labcorp Genetics (formerly Invitae), Labcorp
Classification: Uncertain significance. Last evaluated: 2024-05-06. Review status: criteria provided, single submitter. Criteria: Invitae Variant Classification Sherloc (09022015). Collection method: clinical testing. Allele origin: germline.
Comment: This sequence change replaces serine, which is neutral and polar, with arginine, which is basic and polar, at codon 295 of the SETBP1 protein (p.Ser295Arg). This variant is not present in population databases (gnomAD no frequency). This variant has not been reported in the literature in individuals affected with SETBP1-related conditions. Advanced modeling of protein sequence and biophysical properties (such as structural, functional, and spatial information, amino acid conservation, physicochemical variation, residue mobility, and thermodynamic stability) performed at Invitae indicates that this missense variant is not expected to disrupt SETBP1 protein function with a negative predictive value of 80%. In summary, the available evidence is currently insufficient to determine the role of this variant in disease. Therefore, it has been classified as a Variant of Uncertain Significance.